The following is an entry in ClinVar:

ClinVar aggregate classification (germline): Uncertain significance (1 of 4 stars; one submission).

Conditions:
Heterotopia, periventricular, X-linked dominant (PVNH1). Also called: PERIVENTRICULAR NODULAR HETEROTOPIA 1; X-linked periventricular heterotopia; PERIVENTRICULAR NODULAR HETEROTOPIA 4; HETEROTOPIA, PERIVENTRICULAR, 1. Identifiers: Orphanet 2149, Orphanet 82004, MedGen C1848213, MONDO:0010233, OMIM 300049.
Melnick-Needles syndrome (MNS). Also called: Melnick-Needles Syndrome (FLNA-MNS); MELNICK-NEEDLES OSTEODYSPLASTY; OSTEODYSPLASTY OF MELNICK AND NEEDLES. Identifiers: Orphanet 2484, MedGen C0025237, MONDO:0010650, OMIM 309350.
Frontometaphyseal dysplasia (FMD1). Identifiers: Orphanet 1826, MedGen C0265293, MONDO:0015942.
Oto-palato-digital syndrome, type II (OPD2). Also called: Otopalatodigital Syndrome Type 2 (FLNA-OPD2); FACIOPALATOOSSEOUS SYNDROME; OPD II SYNDROME; Otopalatodigital Syndrome, Type II. Identifiers: Orphanet 669, Orphanet 90652, MedGen C1844696, MONDO:0010571, OMIM 304120.

Submission:

Labcorp Genetics (formerly Invitae), Labcorp
Classification: Uncertain significance for Oto-palato-digital syndrome, type II; Heterotopia, periventricular, X-linked dominant; Frontometaphyseal dysplasia; Melnick-Needles syndrome. Last evaluated: 2023-11-17. Review status: criteria provided, single submitter. Criteria: Invitae Variant Classification Sherloc (09022015). Collection method: clinical testing. Allele origin: germline.
Comment: This sequence change replaces glutamine, which is neutral and polar, with arginine, which is basic and polar, at codon 1809 of the FLNA protein (p.Gln1809Arg). This variant is not present in population databases (gnomAD no frequency). This variant has not been reported in the literature in individuals affected with FLNA-related conditions. Advanced modeling of protein sequence and biophysical properties (such as structural, functional, and spatial information, amino acid conservation, physicochemical variation, residue mobility, and thermodynamic stability) performed at Invitae indicates that this missense variant is not expected to disrupt FLNA protein function with a negative predictive value of 95%. In summary, the available evidence is currently insufficient to determine the role of this variant in disease. Therefore, it has been classified as a Variant of Uncertain Significance.

NM_001110556.2(FLNA):c.5450A>G (p.Gln1817Arg)

Gene: FLNA (filamin A; minus strand). Cytogenetic location: Xq28.
Variant type: single nucleotide variant.
Coding change: c.5450A>G on transcript NM_001110556.2 (MANE Select); coding-DNA position 5450, A replaced by G.
Protein change: p.Gln1817Arg; replaces glutamine 1817 with arginine.
Molecular consequence: missense variant.
Genome position (GRCh38, 1-based): chrX:154,354,258, T>C on the plus strand (A>G on the coding strand, the complement: FLNA is on the minus strand). VCF-style: chrX-154354258-T-C. GRCh37 (hg19) VCF-style: chrX-153582626-T-C.
Other names: c.5426A>G, p.Gln1809Arg (NM_001456.4); short protein forms Q1809R, Q1817R.
Identifiers: ClinVar variation 2953969 (VCV002953969.3), dbSNP rs2522726559, ClinGen allele CA415204444.